The following is an entry in ClinVar:

NM_000548.5(TSC2):c.2355+2_2355+5del

Gene: TSC2 (TSC complex subunit 2; plus strand). Cytogenetic location: 16p13.3.
Variant type: Deletion.
Coding change: c.2355+2_2355+5del on transcript NM_000548.5 (MANE Select); the canonical splice donor site of the intron after coding-DNA position 2355 through 5 bases into the intron after coding-DNA position 2355, 4 bases deleted (TAGG; older notation c.2355+2_2355+5delTAGG).
Molecular consequence: splice donor variant.
Genome position (GRCh38, 1-based): chr16:2,072,985-2,072,988, TAGG deleted; deleting any 4 consecutive bases within chr16:2,072,982-2,072,988 gives the same sequence; the c. name uses the placement nearest the transcript's 3' end. VCF-style (leftmost placement, unchanged base first): chr16-2072981-CAGGT-C. GRCh37 (hg19) VCF-style: chr16-2122982-CAGGT-C.
Other names: c.2355+2_2355+5del (NM_001114382.3, NM_021055.3, NM_001370405.1 and 3 more transcripts); c.2244+2_2244+5del (NM_001318827.2); c.1755+2_1755+5del (NM_001318831.2); c.2208+2_2208+5del (NM_001318829.2); c.2388+2_2388+5del (NM_001318832.2).
Identifiers: ClinVar variation 12406 (VCV000012406.9), dbSNP rs137854250, ClinGen allele CA017240.
Genomic context (GRCh38, chr16:2,072,981, plus strand): 5'-GCCGTGGTTCCAGTGCTGACAGCATTAATCTCTTACCATAACTACCTGGACAAAACCAAA[CAGGT>C]AGGAGGTCAGAGCAGGACAGGCGAGCTTGATGGGGCCTGGGATTCGAGGGCCTGGCCCAG-3'

ClinVar aggregate classification (germline): Pathogenic. Review status: criteria provided, multiple submitters, no conflicts (2 of 4 stars). 8 submissions from 7 submitters: Pathogenic (5). 3 of the submissions do not count toward it. Last evaluated 2025-10-21.

Conditions:
Tuberous sclerosis syndrome (TSC). Also called: Tuberous Sclerosis Complex; Tuberous sclerosis. Identifiers: Orphanet 805, MedGen C0041341, MONDO:0001734.
Tuberous sclerosis 2 (TSC2). Identifiers: Orphanet 805, MedGen C1860707, MONDO:0013199, OMIM 613254.

Submissions (8):

NHS Central & South Genomic Laboratory Hub
Classification: Pathogenic for Tuberous sclerosis. Last evaluated: 2025-10-21. Review status: criteria provided, single submitter. Criteria: ACMG Guidelines, 2015. Collection method: clinical testing. Allele origin: germline. Affected: yes.

Labcorp Genetics (formerly Invitae), Labcorp
Classification: Pathogenic for Tuberous sclerosis 2. Last evaluated: 2024-11-19. Review status: criteria provided, single submitter. Criteria: Invitae Variant Classification Sherloc (09022015). Collection method: clinical testing. Allele origin: germline.
Comment: This sequence change affects a splice site in intron 21 of the TSC2 gene. RNA analysis indicates that disruption of this splice site induces altered splicing and may result in an absent or altered protein product. This variant is not present in population databases (gnomAD no frequency). Disruption of this splice site has been observed in individual(s) with Tuberous sclerosis (PMID: 10205261, 10533067, 19259131). In at least one individual the variant was observed to be de novo. This variant is also known as 2355+2delTAGG, c.2355+1_2355+4del, IVS20 + 1-4 delGTAG, 2373+2del4bp. ClinVar contains an entry for this variant (Variation ID: 12406). Studies have shown that disruption of this splice site results in activation of a cryptic splice site, and produces a non-functional protein and/or introduces a premature termination codon (PMID: 19259131). For these reasons, this variant has been classified as Pathogenic.

ARUP Laboratories, Molecular Genetics and Genomics, ARUP Laboratories
Classification: Pathogenic. Last evaluated: 2024-01-19. Review status: criteria provided, single submitter. Criteria: ARUP Molecular Germline Variant Investigation Process 2024. Collection method: clinical testing. Allele origin: germline.
Comment: The TSC2 c.2355+2_2355+5del variant (rs137854250) is reported in the literature in individuals affected with tuberous sclerosis complex (Babol-Pokora 2021, Le Caignec 2009, Niida 1999, Rosset 2017). This variant is reported in ClinVar (Variation ID: 12406). This variant is also absent from the Genome Aggregation Database (v2.1.1), indicating it is not a common polymorphism. This variant disrupts the canonical splice donor site of intron 21, and in vitro functional analyses demonstrate novel cryptic donor splice site and the generation of a premature stop codon (Le Caignec 2009). Based on available information, this variant is considered to be pathogenic. References: Babol-Pokora K et al. A multistep approach to the genotype-phenotype analysis of Polish patients with tuberous sclerosis complex. Eur J Med Genet. 2021 Oct;64(10):104309. PMID: 34403804. Le Caignec C. Three independent mutations in the TSC2 gene in a family with tuberous sclerosis. Eur J Hum Genet. 2009 Sep;17(9):1165-70. PMID: 19259131. Niida Y et al. Analysis of both TSC1 and TSC2 for germline mutations in 126 unrelated patients with tuberous sclerosis. Hum Mutat. 1999;14(5):412-22. PMID: 10533067. Rosset C et al. Molecular analysis of TSC1 and TSC2 genes and phenotypic correlations in Brazilian families with tuberous sclerosis. PLoS One. 2017 Oct 2;12(10):e0185713. PMID: 28968464.

Illumina Laboratory Services, Illumina
Classification: Pathogenic for Tuberous sclerosis 2. Last evaluated: 2023-07-27. Review status: criteria provided, single submitter. Criteria: ICSLVariantClassificationCriteria RUGD 01 April 2020. Collection method: clinical testing. Allele origin: unknown.
Comment: The TSC2 c.2355+2_2355+5del variant results in a deletion at the consensus splice donor site, which may result in splicing defects. This variant has been identified in at least five unrelated individuals with a phenotype consistent with tuberous sclerosis complex, including in one in which it occurred de novo (PMID: 10205261; 10533067; 19259131; 28968464; 34403804). This variant is not observed in version 2.1.1 or version 3.1.2 of the Genome Aggregation Database. PCR analysis of cDNA from a patient with the c.2355+2_2355+5del variant demonstrated aberrant splicing that resulted in a premature stop codon (PMID: 19259131). Based on the available evidence, the c.2355+2_2355+5del variant is classified as pathogenic for tuberous sclerosis.

Athena Diagnostics
Classification: Pathogenic for Tuberous sclerosis 2. Last evaluated: 2014-12-03. Review status: criteria provided, single submitter. Criteria: Athena Diagnostics Criteria. Collection method: clinical testing. Allele origin: germline. Inheritance: Autosomal dominant inheritance.

OMIM
Classification: Pathogenic for TUBEROUS SCLEROSIS 2. Last evaluated: 2009-09-01. Review status: no assertion criteria provided. Collection method: literature only. Allele origin: germline. Not counted in ClinVar's aggregate classification.

Tuberous sclerosis database (TSC2)
No classification provided. Condition: TSC. Review status: no classification provided. Criteria: Tuberous Sclerosis Database Assertion Criteria 2015. Collection method: curation. Allele origin: germline. Affected: yes. Not counted in ClinVar's aggregate classification.

Tuberous sclerosis database (TSC2)
No classification provided. Condition: TSC. Review status: flagged submission. Criteria: Tuberous Sclerosis Database Assertion Criteria 2015. Collection method: curation. Allele origin: germline. Affected: yes. Not counted in ClinVar's aggregate classification.
ClinVar note: Reason: This record appears to be redundant with a more recent record from the same submitter.
ClinVar note: Notes: SCV000066252 appears to be redundant with SCV000066773.

Literature cited by the submitters: PubMed 10205261 (cited by 3 submitters); PubMed 10533067 (cited by 3 submitters); PubMed 19259131 (cited by 4 submitters); PubMed 15798777 (cited by Illumina Laboratory Services, Illumina); PubMed 28968464 (cited by Illumina Laboratory Services, Illumina); PubMed 34403804 (cited by Illumina Laboratory Services, Illumina).